The following is an entry in ClinVar:

ClinVar aggregate classification (germline): Uncertain significance (1 of 4 stars; one submission).

gnomAD v4.1: 2 of 1,613,992 alleles (0.00012%); highest among the groups gnomAD compares: Non-Finnish European, 0.00017%; no homozygotes.

Submission:

Labcorp Genetics (formerly Invitae), Labcorp
Classification: Uncertain significance. Last evaluated: 2022-09-01. Review status: criteria provided, single submitter. Criteria: Invitae Variant Classification Sherloc (09022015). Collection method: clinical testing. Allele origin: germline.
Comment: This variant is present in population databases (no rsID available, gnomAD 0.0009%). In summary, the available evidence is currently insufficient to determine the role of this variant in disease. Therefore, it has been classified as a Variant of Uncertain Significance. Algorithms developed to predict the effect of missense changes on protein structure and function are either unavailable or do not agree on the potential impact of this missense change (SIFT: "Not Available"; PolyPhen-2: "Probably Damaging"; Align-GVGD: "Not Available"). ClinVar contains an entry for this variant (Variation ID: 1430700). This variant has not been reported in the literature in individuals affected with UNC119-related conditions. This sequence change replaces serine, which is neutral and polar, with arginine, which is basic and polar, at codon 237 of the UNC119 protein (p.Ser237Arg).

NM_005148.4(UNC119):c.711C>G (p.Ser237Arg)

Gene: UNC119 (unc-119 lipid binding chaperone; minus strand). Cytogenetic location: 17q11.2.
Variant type: single nucleotide variant.
Coding change: c.711C>G on transcript NM_005148.4 (MANE Select); coding-DNA position 711, C replaced by G.
Protein change: p.Ser237Arg; replaces serine 237 with arginine.
Molecular consequence: missense variant. On other transcripts: 3 prime UTR variant (1).
Genome position (GRCh38, 1-based): chr17:28,547,309, G>C on the plus strand (C>G on the coding strand, the complement: UNC119 is on the minus strand). VCF-style: chr17-28547309-G-C. GRCh37 (hg19) VCF-style: chr17-26874327-G-C.
Other names: c.426C>G, p.Ser142Arg (NM_001330166.2); c.*315C>G (NM_054035.2); short protein forms S142R, S237R.
Identifiers: ClinVar variation 1430700 (VCV001430700.8), dbSNP rs767981770, ClinGen allele CA398328077.